The following is an entry in ClinVar:

ClinVar aggregate classification (germline): Conflicting classifications of pathogenicity. Review status: criteria provided, conflicting classifications (1 of 4 stars). 2 submissions from 2 submitters: Uncertain significance (1); Likely benign (1). Last evaluated 2026-04-17.

Conditions:
Hereditary cancer-predisposing syndrome. Also called: Tumor predisposition; Neoplastic Syndromes, Hereditary; Hereditary Cancer Syndrome; Hereditary neoplastic syndrome. Identifiers: Orphanet 140162, MedGen C0027672, MeSH D009386, MONDO:0015356.
Cardiovascular phenotype. Identifiers: MedGen CN230736.
Neurofibromatosis, type 1 (NF1). Also called: NEUROFIBROMATOSIS, TYPE I, SOMATIC; Peripheral type neurofibromatosis; VON RECKLINGHAUSEN DISEASE; Neurofibromatosis, type I. Identifiers: Orphanet 636, MedGen C0027831, MONDO:0018975, OMIM 162200. Disease mechanism: loss of function.

Submissions (2):

Ambry Genetics
Classification: Likely benign for Cardiovascular phenotype; Hereditary cancer-predisposing syndrome. Last evaluated: 2026-04-17. Review status: criteria provided, single submitter. Criteria: Ambry Variant Classification Scheme 2023. Collection method: clinical testing. Allele origin: germline.

Labcorp Genetics (formerly Invitae), Labcorp
Classification: Uncertain significance for Neurofibromatosis, type 1. Last evaluated: 2025-02-02. Review status: criteria provided, single submitter. Criteria: Invitae Variant Classification Sherloc (09022015). Collection method: clinical testing. Allele origin: germline.
Comment: This sequence change replaces asparagine, which is neutral and polar, with lysine, which is basic and polar, at codon 2265 of the NF1 protein (p.Asn2265Lys). This variant is not present in population databases (gnomAD no frequency). This variant has not been reported in the literature in individuals affected with NF1-related conditions. ClinVar contains an entry for this variant (Variation ID: 1408566). Invitae Evidence Modeling of protein sequence and biophysical properties (such as structural, functional, and spatial information, amino acid conservation, physicochemical variation, residue mobility, and thermodynamic stability) indicates that this missense variant is not expected to disrupt NF1 protein function with a negative predictive value of 95%. In summary, the available evidence is currently insufficient to determine the role of this variant in disease. Therefore, it has been classified as a Variant of Uncertain Significance.

NM_001042492.3(NF1):c.6858C>G (p.Asn2286Lys)

Gene: NF1 (neurofibromin 1; plus strand). Cytogenetic location: 17q11.2.
Variant type: single nucleotide variant.
Coding change: c.6858C>G on transcript NM_001042492.3 (MANE Select); coding-DNA position 6858, C replaced by G.
Protein change: p.Asn2286Lys; replaces asparagine 2286 with lysine.
Molecular consequence: missense variant.
Genome position (GRCh38, 1-based): chr17:31,338,742, C>G. VCF-style: chr17-31338742-C-G. GRCh37 (hg19) VCF-style: chr17-29665760-C-G.
Other names: c.6795C>G, p.Asn2265Lys (NM_000267.4); short protein forms N2265K, N2286K.
Identifiers: ClinVar variation 1408566 (VCV001408566.10), dbSNP rs2151559216, ClinGen allele CA399014324.